The following is an entry in ClinVar:

NM_003265.3(TLR3):c.392T>C (p.Met131Thr)

Gene: TLR3 (toll like receptor 3; plus strand). Cytogenetic location: 4q35.1.
Variant type: single nucleotide variant.
Coding change: c.392T>C on transcript NM_003265.3 (MANE Select); coding-DNA position 392, T replaced by C.
Protein change: p.Met131Thr; replaces methionine 131 with threonine.
Molecular consequence: missense variant.
Genome position (GRCh38, 1-based): chr4:186,077,011, T>C. VCF-style: chr4-186077011-T-C. GRCh37 (hg19) VCF-style: chr4-186998165-T-C.
Other names: short protein forms M131T.
Identifiers: ClinVar variation 1020354 (VCV001020354.9), dbSNP rs1443920234, ClinGen allele CA359107936.

ClinVar aggregate classification (germline): Uncertain significance (1 of 4 stars; one submission).

Conditions:
Encephalopathy, acute, infection-induced (herpes-specific), susceptibility to, 1. Also called: Herpes simplex encephalitis, susceptibility to, 1. Identifiers: Orphanet 1930, MedGen C2750180, MONDO:0024563, OMIM 610551.

Allele frequency attached by ClinVar (database versions not stated): gnomAD exomes below 0.00001.

Submission:

Labcorp Genetics (formerly Invitae), Labcorp
Classification: Uncertain significance for Encephalopathy, acute, infection-induced (herpes-specific), susceptibility to, 1. Last evaluated: 2024-12-04. Review status: criteria provided, single submitter. Criteria: Invitae Variant Classification Sherloc (09022015). Collection method: clinical testing. Allele origin: germline.
Comment: This sequence change replaces methionine, which is neutral and non-polar, with threonine, which is neutral and polar, at codon 131 of the TLR3 protein (p.Met131Thr). This variant is present in population databases (no rsID available, gnomAD 0.0009%). This variant has not been reported in the literature in individuals affected with TLR3-related conditions. ClinVar contains an entry for this variant (Variation ID: 1020354). An algorithm developed to predict the effect of missense changes on protein structure and function outputs the following: PolyPhen-2: "Benign". The threonine amino acid residue is found in multiple mammalian species, which suggests that this missense change does not adversely affect protein function. In summary, the available evidence is currently insufficient to determine the role of this variant in disease. Therefore, it has been classified as a Variant of Uncertain Significance.